The following is an entry in ClinVar:

NM_002215.4(ITIH1):c.1754A>T (p.Glu585Val)

Gene: ITIH1 (inter-alpha-trypsin inhibitor heavy chain 1; plus strand). Cytogenetic location: 3p21.1.
Variant type: single nucleotide variant.
Coding change: c.1754A>T on transcript NM_002215.4 (MANE Select); coding-DNA position 1754, A replaced by T.
Protein change: p.Glu585Val; replaces glutamic acid 585 with valine.
Molecular consequence: missense variant.
Genome position (GRCh38, 1-based): chr3:52,786,965, A>T. VCF-style: chr3-52786965-A-T. GRCh37 (hg19) VCF-style: chr3-52820981-A-T.
Other names: c.1328A>T, p.Glu443Val (NM_001166434.3); c.890A>T, p.Glu297Val (NM_001166435.2, NM_001166436.2); short protein forms E585V, E297V, E443V.
Identifiers: ClinVar variation 487489 (VCV000487489.5), dbSNP rs678, ClinGen allele CA2447406.

ClinVar aggregate classification (germline): Benign. Review status: criteria provided, multiple submitters, no conflicts (2 of 4 stars). 2 submissions from 2 submitters: Benign (2). Last evaluated 2019-04-19.

Allele frequency attached by ClinVar (database versions not stated): 1000 Genomes Project 0.28694; gnomAD 0.31069 and 0.31095; TOPMed 0.31463; gnomAD exomes 0.35787; ESP Exome Variant Server 0.30040; ExAC 0.35223; 1000 Genomes Project 30x 0.28560.
gnomAD v4.1: 564,870 of 1,612,586 alleles (35%); highest among the groups gnomAD compares: Admixed American, 49%; 102,907 homozygotes.

Submissions (2):

GeneDx
Classification: Benign. Last evaluated: 2019-04-19. Review status: criteria provided, single submitter. Criteria: GeneDx Variant Classification Process June 2021. Collection method: clinical testing. Allele origin: germline. Affected: yes.
Comment: This variant is associated with the following publications: (PMID: 30374069)

Breakthrough Genomics
Classification: Benign. Review status: criteria provided, single submitter. Criteria: ACMG Guidelines, 2015. Collection method: not provided. Allele origin: germline. Inheritance: Unknown mechanism. Affected: yes.